The following is an entry in ClinVar:

NM_001166114.2(PNPLA6):c.2405dup (p.Thr803fs)

Gene: PNPLA6 (patatin like domain 6, lysophospholipase; plus strand). Cytogenetic location: 19p13.2.
Variant type: Duplication.
Coding change: c.2405dup on transcript NM_001166114.2 (MANE Select); coding-DNA position 2405, one base duplicated (C; older notation c.2405dupC).
Protein change: p.Thr803fs; shifts the reading frame from threonine 803.
Molecular consequence: frameshift variant.
Genome position (GRCh38, 1-based): chr19:7,554,212, C duplicated; the last of 2 consecutive C bases (chr19:7,554,211-7,554,212); duplicating either gives the same sequence. VCF-style (leftmost placement, unchanged base first): chr19-7554210-T-TC. GRCh37 (hg19) VCF-style: chr19-7619096-T-TC.
Other names: c.2291dupC (NM_006702.4); c.2435dup, p.Thr813fs (NM_001166111.2); c.2210dup, p.Thr738fs (NM_001166112.2); c.2291dup, p.Thr765fs (NM_001166113.1, NM_006702.5); short protein forms T765fs, T803fs, T738fs, T813fs.
Identifiers: ClinVar variation 469616 (VCV000469616.6), dbSNP rs1555749683, ClinGen allele CA658656746.

ClinVar aggregate classification (germline): Pathogenic (1 of 4 stars; one submission).

Conditions:
Hereditary spastic paraplegia 39 (SPG39). Also called: SPASTIC PARAPLEGIA 39, AUTOSOMAL RECESSIVE; Spastic Paraplegia Type 39 (SPG39). Identifiers: Orphanet 139480, MedGen C2677586, MONDO:0012787, OMIM 612020.

Submission:

Labcorp Genetics (formerly Invitae), Labcorp
Classification: Pathogenic for Hereditary spastic paraplegia 39. Last evaluated: 2017-02-19. Review status: criteria provided, single submitter. Criteria: Invitae Variant Classification Sherloc (09022015). Collection method: clinical testing. Allele origin: germline.
Comment: For these reasons, this variant has been classified as Pathogenic. While this particular variant has not been reported in the literature, loss-of-function variants in PNPLA6 are known to be pathogenic (PMID: 24355708). This sequence change inserts 1 nucleotide in exon 23 of the PNPLA6 mRNA (c.2291dupC), causing a frameshift at codon 765. This creates a premature translational stop signal (p.Thr765Aspfs*5) and is expected to result in an absent or disrupted protein product.

Literature cited by the submitters: PubMed 24355708.